The following is an entry in ClinVar:

ClinVar aggregate classification (germline): Uncertain significance. Review status: criteria provided, multiple submitters, no conflicts (2 of 4 stars). 4 submissions from 4 submitters: Uncertain significance (3). 1 of the submissions does not count toward it. Last evaluated 2025-11-12.

Conditions:
Familial melanoma. Also called: Hereditary melanoma; Hereditary cutaneous melanoma. Identifiers: Orphanet 618, MedGen C1512419, MONDO:0018961.
Hereditary cancer-predisposing syndrome. Also called: Tumor predisposition; Hereditary neoplastic syndrome; Neoplastic Syndromes, Hereditary; Hereditary Cancer Syndrome. Identifiers: Orphanet 140162, MedGen C0027672, MeSH D009386, MONDO:0015356.

Allele frequency attached by ClinVar (database versions not stated): gnomAD exomes below 0.00001; TOPMed below 0.00001; gnomAD 0.00001.
gnomAD v4.1: 2 of 1,612,944 alleles (0.00012%); highest among the groups gnomAD compares: Non-Finnish European, 0.00017%; no homozygotes.

Submissions (4):

Labcorp Genetics (formerly Invitae), Labcorp
Classification: Uncertain significance for Familial melanoma. Last evaluated: 2025-11-12. Review status: criteria provided, single submitter. Criteria: Invitae Variant Classification Sherloc (09022015). Collection method: clinical testing. Allele origin: germline.
Comment: This sequence change replaces valine, which is neutral and non-polar, with isoleucine, which is neutral and non-polar, at codon 175 of the CDK4 protein (p.Val175Ile). This variant is not present in population databases (gnomAD no frequency). This variant has not been reported in the literature in individuals affected with CDK4-related conditions. ClinVar contains an entry for this variant (Variation ID: 133875). An algorithm developed to predict the effect of missense changes on protein structure and function (PolyPhen-2) suggests that this variant is likely to be tolerated. Algorithms developed to predict the effect of sequence changes on RNA splicing suggest that this variant may disrupt the consensus splice site. In summary, the available evidence is currently insufficient to determine the role of this variant in disease. Therefore, it has been classified as a Variant of Uncertain Significance.

Ambry Genetics
Classification: Uncertain significance for Hereditary cancer-predisposing syndrome. Last evaluated: 2024-02-25. Review status: criteria provided, single submitter. Criteria: Ambry Variant Classification Scheme 2023. Collection method: clinical testing. Allele origin: germline.
Comment: The p.V175I variant (also known as c.523G>A) is located in coding exon 4 of the CDK4 gene. The valine at codon 175 is replaced by isoleucine, an amino acid with highly similar properties. This change occurs in the first base pair of coding exon 4. This variant was identified in a cohort of 681 ancestrally diverse, healthy subjects (Bodian DL et al. PLoS One, 2014 Apr;9:e94554). This amino acid position is highly conserved in available vertebrate species. In addition, the in silico prediction for this alteration is inconclusive. Since supporting evidence is limited at this time, the clinical significance of this alteration remains unclear.

Quest Diagnostics Nichols Institute San Juan Capistrano
Classification: Uncertain significance. Last evaluated: 2017-05-10. Review status: criteria provided, single submitter. Criteria: Quest Diagnostics criteria. Collection method: clinical testing. Allele origin: germline.

ITMI
No classification provided. Condition: AllHighlyPenetrant. Last evaluated: 2013-09-19. Review status: no classification provided. Collection method: reference population. Allele origin: germline. Not counted in ClinVar's aggregate classification.
Comment: Please see associated publication for description of ethnicities

Literature cited by the submitters: PubMed 24728327 (cited by Ambry Genetics and ITMI).

NM_000075.4(CDK4):c.523G>A (p.Val175Ile)

Gene: CDK4 (cyclin dependent kinase 4; minus strand). Cytogenetic location: 12q14.1.
Variant type: single nucleotide variant.
Coding change: c.523G>A on transcript NM_000075.4 (MANE Select); coding-DNA position 523, G replaced by A.
Protein change: p.Val175Ile; replaces valine 175 with isoleucine.
Molecular consequence: missense variant.
Genome position (GRCh38, 1-based): chr12:57,750,765, C>T on the plus strand (G>A on the coding strand, the complement: CDK4 is on the minus strand). VCF-style: chr12-57750765-C-T. GRCh37 (hg19) VCF-style: chr12-58144548-C-T.
Other names: short protein forms V175I.
Identifiers: ClinVar variation 133875 (VCV000133875.14), dbSNP rs587778186, ClinGen allele CA158049.